The following is an entry in ClinVar:

NM_001372076.1(PAX9):c.72_76dup (p.Arg26fs)

Gene: PAX9 (paired box 9; plus strand). Cytogenetic location: 14q13.3.
Variant type: Duplication.
Coding change: c.72_76dup on transcript NM_001372076.1 (MANE Select); coding-DNA positions 72 to 76, 5 bases duplicated (CATCC; older notation c.72_76dupCATCC).
Protein change: p.Arg26fs; shifts the reading frame from arginine 26.
Molecular consequence: frameshift variant.
Genome position (GRCh38, 1-based): chr14:36,662,964-36,662,968, CATCC duplicated; duplicating any 5 consecutive bases within chr14:36,662,963-36,662,968 gives the same sequence; the c. name uses the placement nearest the transcript's 3' end. VCF-style (leftmost placement, unchanged base first): chr14-36662962-G-GCCATC. GRCh37 (hg19) VCF-style: chr14-37132167-G-GCCATC.
Other names: c.72_76dup, p.Arg26fs (NM_006194.4); short protein forms R26fs.
Identifiers: ClinVar variation 1076521 (VCV001076521.7), dbSNP rs2139107881, ClinGen allele CA2499222619.

ClinVar aggregate classification (germline): Pathogenic (1 of 4 stars; one submission).

Conditions:
Hypodontia. Also called: Partial congenital absence of teeth; TOOTH AGENESIS, FAMILIAL; Tooth agenesis, selective. Identifiers: Orphanet 99798, MedGen C0020608, MONDO:0005486, HP:0000668. Disease mechanism: loss of function.

Submission:

Labcorp Genetics (formerly Invitae), Labcorp
Classification: Pathogenic for Hypodontia. Last evaluated: 2020-01-23. Review status: criteria provided, single submitter. Criteria: Invitae Variant Classification Sherloc (09022015). Collection method: clinical testing. Allele origin: germline.
Comment: This sequence change creates a premature translational stop signal (p.Arg26Profs*61) in the PAX9 gene. It is expected to result in an absent or disrupted protein product. This variant is not present in population databases (ExAC no frequency). This variant has not been reported in the literature in individuals with PAX9-related conditions. Loss-of-function variants in PAX9 are known to be pathogenic (PMID: 14607846, 16236760, 16479262). For these reasons, this variant has been classified as Pathogenic.

Literature cited by the submitters: PubMed 14607846; PubMed 16236760; PubMed 16479262.